The following is an entry in ClinVar:

ClinVar aggregate classification (germline): Conflicting classifications of pathogenicity. Review status: criteria provided, conflicting classifications (1 of 4 stars). 2 submissions from 2 submitters: Uncertain significance (1); Likely benign (1). Last evaluated 2025-01-20.

Allele frequency attached by ClinVar (database versions not stated): TOPMed below 0.00001; ExAC 0.00001.
gnomAD v4.1: 5 of 1,614,094 alleles (0.00031%); highest among the groups gnomAD compares: Admixed American, 0.0083%; no homozygotes.

Submissions (2):

Ambry Genetics
Classification: Likely benign. Last evaluated: 2025-01-20. Review status: criteria provided, single submitter. Criteria: Ambry Variant Classification Scheme 2023. Collection method: clinical testing. Allele origin: germline.

Labcorp Genetics (formerly Invitae), Labcorp
Classification: Uncertain significance. Last evaluated: 2021-09-17. Review status: criteria provided, single submitter. Criteria: Invitae Variant Classification Sherloc (09022015). Collection method: clinical testing. Allele origin: germline.
Comment: This sequence change replaces asparagine with serine at codon 1844 of the CCDC88A protein (p.Asn1844Ser). The asparagine residue is weakly conserved and there is a small physicochemical difference between asparagine and serine. This variant is present in population databases (rs766387202, ExAC 0.009%). This variant has not been reported in the literature in individuals affected with CCDC88A-related conditions. Algorithms developed to predict the effect of missense changes on protein structure and function output the following: SIFT: "Tolerated"; PolyPhen-2: "Benign"; Align-GVGD: "Class C0". The serine amino acid residue is found in multiple mammalian species, which suggests that this missense change does not adversely affect protein function. In summary, the available evidence is currently insufficient to determine the role of this variant in disease. Therefore, it has been classified as a Variant of Uncertain Significance.

NM_001365480.1(CCDC88A):c.5534A>G (p.Asn1845Ser)

Gene: CCDC88A (coiled-coil domain containing 88A; minus strand). Cytogenetic location: 2p16.1.
Variant type: single nucleotide variant.
Coding change: c.5534A>G on transcript NM_001365480.1 (MANE Select); coding-DNA position 5534, A replaced by G.
Protein change: p.Asn1845Ser; replaces asparagine 1845 with serine.
Molecular consequence: missense variant.
Genome position (GRCh38, 1-based): chr2:55,295,614, T>C on the plus strand (A>G on the coding strand, the complement: CCDC88A is on the minus strand). VCF-style: chr2-55295614-T-C. GRCh37 (hg19) VCF-style: chr2-55522750-T-C.
Other names: c.5531A>G, p.Asn1844Ser (NM_001135597.2); c.5309A>G, p.Asn1770Ser (NM_001254943.2); c.5450A>G, p.Asn1817Ser (NM_018084.5); c.5531A>G (NM_001135597.1); short protein forms N1770S, N1844S, N1845S, N1817S.
Identifiers: ClinVar variation 1414348 (VCV001414348.6), dbSNP rs766387202, ClinGen allele CA1665310.